The following is an entry in ClinVar:

NM_000742.4(CHRNA2):c.362G>A (p.Arg121His)

Gene: CHRNA2 (cholinergic receptor nicotinic alpha 2 subunit; minus strand). Cytogenetic location: 8p21.2.
Variant type: single nucleotide variant.
Coding change: c.362G>A on transcript NM_000742.4 (MANE Select); coding-DNA position 362, G replaced by A.
Protein change: p.Arg121His; replaces arginine 121 with histidine.
Molecular consequence: missense variant. On other transcripts: 5 prime UTR variant (4).
Genome position (GRCh38, 1-based): chr8:27,467,316, C>T on the plus strand (G>A on the coding strand, the complement: CHRNA2 is on the minus strand). VCF-style: chr8-27467316-C-T. GRCh37 (hg19) VCF-style: chr8-27324833-C-T.
Other names: c.362G>A (NM_000742.3); c.317G>A, p.Arg106His (NM_001282455.2); c.-111G>A (NM_001347705.2, NM_001347706.2); c.-97G>A (NM_001347707.2); c.-100G>A (NM_001347708.2); short protein forms R106H, R121H.
Identifiers: ClinVar variation 2047169 (VCV002047169.5), dbSNP rs752422797, ClinGen allele CA4689687.

ClinVar aggregate classification (germline): Conflicting classifications of pathogenicity. Review status: criteria provided, conflicting classifications (1 of 4 stars). 2 submissions from 2 submitters: Uncertain significance (1); Likely benign (1). Last evaluated 2024-11-20.

Conditions:
Inborn genetic diseases. Identifiers: MedGen C0950123, MeSH D030342.
Familial sleep-related hypermotor epilepsy. Also called: Autosomal Dominant Sleep-Related Hypermotor (Hyperkinetic) Epilepsy. Identifiers: Orphanet 98784, MedGen C3696898, MONDO:0000030.

Allele frequency attached by ClinVar (database versions not stated): TOPMed 0.00002.

Submissions (2):

Ambry Genetics
Classification: Likely benign for Inborn genetic diseases. Last evaluated: 2024-11-20. Review status: criteria provided, single submitter. Criteria: Ambry Variant Classification Scheme 2023. Collection method: clinical testing. Allele origin: germline.

Labcorp Genetics (formerly Invitae), Labcorp
Classification: Uncertain significance. Last evaluated: 2024-05-28. Review status: criteria provided, single submitter. Criteria: Invitae Variant Classification Sherloc (09022015). Collection method: clinical testing. Allele origin: germline.
Comment: This sequence change replaces arginine, which is basic and polar, with histidine, which is basic and polar, at codon 121 of the CHRNA2 protein (p.Arg121His). This variant is present in population databases (rs752422797, gnomAD 0.01%). This variant has not been reported in the literature in individuals affected with CHRNA2-related conditions. ClinVar contains an entry for this variant (Variation ID: 2047169). Advanced modeling of protein sequence and biophysical properties (such as structural, functional, and spatial information, amino acid conservation, physicochemical variation, residue mobility, and thermodynamic stability) performed at Invitae indicates that this missense variant is not expected to disrupt CHRNA2 protein function with a negative predictive value of 80%. In summary, the available evidence is currently insufficient to determine the role of this variant in disease. Therefore, it has been classified as a Variant of Uncertain Significance.